The following is an entry in ClinVar:

ClinVar aggregate classification (germline): Uncertain significance (1 of 4 stars; one submission).

Conditions:
Dyskeratosis congenita. Identifiers: Orphanet 1775, MedGen C0265965, MONDO:0015780.

Allele frequency attached by ClinVar (database versions not stated): gnomAD exomes below 0.00001; TOPMed below 0.00001.
gnomAD v4.1: 2 of 1,586,826 alleles (0.00013%); highest among the groups gnomAD compares: Non-Finnish European, 0.00017%; no homozygotes.

Submission:

Ambry Genetics
Classification: Uncertain significance for Dyskeratosis congenita. Last evaluated: 2024-02-27. Review status: criteria provided, single submitter. Criteria: Ambry Variant Classification Scheme 2023. Collection method: clinical testing. Allele origin: germline.
Comment: The p.P219L variant (also known as c.656C>T), located in coding exon 2 of the TERT gene, results from a C to T substitution at nucleotide position 656. The proline at codon 219 is replaced by leucine, an amino acid with similar properties. This amino acid position is conserved. In addition, this alteration is predicted to be tolerated by in silico analysis. Based on the available evidence, the clinical significance of this alteration remains unclear.

NM_198253.3(TERT):c.656C>T (p.Pro219Leu)

Gene: TERT (telomerase reverse transcriptase; minus strand). Cytogenetic location: 5p15.33.
Variant type: single nucleotide variant.
Coding change: c.656C>T on transcript NM_198253.3 (MANE Select); coding-DNA position 656, C replaced by T.
Protein change: p.Pro219Leu; replaces proline 219 with leucine.
Molecular consequence: missense variant. On other transcripts: non-coding transcript variant (2).
Genome position (GRCh38, 1-based): chr5:1,294,230, G>A on the plus strand (C>T on the coding strand, the complement: TERT is on the minus strand). VCF-style: chr5-1294230-G-A. GRCh37 (hg19) VCF-style: chr5-1294345-G-A.
Other names: c.656C>T, p.Pro219Leu (NM_001193376.3, NM_003219.1); short protein forms P219L.
Identifiers: ClinVar variation 3238479 (VCV003238479.1), dbSNP rs1340593866.